The following is an entry in ClinVar:

ClinVar aggregate classification (germline): Uncertain significance (1 of 4 stars; one submission).

Conditions:
Inborn genetic diseases. Identifiers: MedGen C0950123, MeSH D030342.

Submission:

Ambry Genetics
Classification: Uncertain significance for Inborn genetic diseases. Last evaluated: 2025-06-29. Review status: criteria provided, single submitter. Criteria: Ambry Variant Classification Scheme 2023. Collection method: clinical testing. Allele origin: germline.
Comment: The p.L1925F variant (also known as c.5775A>C), located in coding exon 22 of the FANCM gene, results from an A to C substitution at nucleotide position 5775. The leucine at codon 1925 is replaced by phenylalanine, an amino acid with highly similar properties. This amino acid position is conserved. In addition, the in silico prediction for this alteration is inconclusive. Based on the available evidence, the clinical significance of this variant remains unclear.

NM_020937.4(FANCM):c.5775A>C (p.Leu1925Phe)

Gene: FANCM (FA complementation group M; plus strand). Cytogenetic location: 14q21.2.
Variant type: single nucleotide variant.
Coding change: c.5775A>C on transcript NM_020937.4 (MANE Select); coding-DNA position 5775, A replaced by C.
Protein change: p.Leu1925Phe; replaces leucine 1925 with phenylalanine.
Molecular consequence: missense variant.
Genome position (GRCh38, 1-based): chr14:45,198,702, A>C. VCF-style: chr14-45198702-A-C. GRCh37 (hg19) VCF-style: chr14-45667905-A-C.
Other names: c.5697A>C, p.Leu1899Phe (NM_001308133.2); short protein forms L1899F, L1925F.
Identifiers: ClinVar variation 4254554 (VCV004254554.1).